The following is an entry in ClinVar:

NM_021922.3(FANCE):c.248+1G>A

Genes: FANCE (FA complementation group E; plus strand), LOC129996245 (ATAC-STARR-seq lymphoblastoid silent region 17092; plus strand). Cytogenetic location: 6p21.31.
Variant type: single nucleotide variant.
Coding change: c.248+1G>A on transcript NM_021922.3 (MANE Select); the canonical splice donor site of the intron after coding-DNA position 248, G replaced by A.
Molecular consequence: splice donor variant.
Genome position (GRCh38, 1-based): chr6:35,452,794, G>A. VCF-style: chr6-35452794-G-A. GRCh37 (hg19) VCF-style: chr6-35420571-G-A.
Other names: c.248+1G>A (NM_001410876.1).
Identifiers: ClinVar variation 929570 (VCV000929570.11), dbSNP rs1480350743, ClinGen allele CA363770981.

ClinVar aggregate classification (germline): Pathogenic/Likely pathogenic. Review status: criteria provided, multiple submitters, no conflicts (2 of 4 stars). 5 submissions from 5 submitters: Pathogenic (1); Likely pathogenic (3). 1 of the submissions does not count toward it. Last evaluated 2025-07-25.

Conditions:
Fanconi anemia complementation group E (FANCE). Also called: FANCE-Related Fanconi Anemia. Identifiers: Orphanet 84, MedGen C3160739, MONDO:0010953, OMIM 600901.

gnomAD v4.1: 4 of 1,314,474 alleles (0.0003%); highest among the groups gnomAD compares: Non-Finnish European, 0.00039%; no homozygotes.

Submissions (5):

Labcorp Genetics (formerly Invitae), Labcorp
Classification: Likely pathogenic for Fanconi anemia complementation group E. Last evaluated: 2025-07-25. Review status: criteria provided, single submitter. Criteria: Invitae Variant Classification Sherloc (09022015). Collection method: clinical testing. Allele origin: germline.
Comment: This sequence change affects a donor splice site in intron 1 of the FANCE gene. It is expected to disrupt RNA splicing. Variants that disrupt the donor or acceptor splice site typically lead to a loss of protein function (PMID: 16199547), and loss-of-function variants in FANCE are known to be pathogenic (PMID: 11001585, 17924555). This variant is not present in population databases (gnomAD no frequency). This variant has not been reported in the literature in individuals affected with FANCE-related conditions. ClinVar contains an entry for this variant (Variation ID: 929570). Algorithms developed to predict the effect of sequence changes on RNA splicing suggest that this variant may disrupt the consensus splice site. In summary, the currently available evidence indicates that the variant is pathogenic, but additional data are needed to prove that conclusively. Therefore, this variant has been classified as Likely Pathogenic.

Fulgent Genetics
Classification: Likely pathogenic for Fanconi anemia complementation group E. Last evaluated: 2024-02-12. Review status: criteria provided, single submitter. Criteria: ACMG Guidelines, 2015. Collection method: clinical testing. Allele origin: germline.

Baylor Genetics
Classification: Pathogenic for Fanconi anemia complementation group E. Last evaluated: 2023-02-13. Review status: criteria provided, single submitter. Criteria: ACMG Guidelines, 2015. Collection method: clinical testing. Allele origin: unknown.

GeneDx
Classification: Likely pathogenic. Last evaluated: 2022-10-06. Review status: criteria provided, single submitter. Criteria: GeneDx Variant Classification Process June 2021. Collection method: clinical testing. Allele origin: germline. Affected: yes.
Comment: Canonical splice site variant predicted to result in a null allele in a gene for which loss of function is a known mechanism of disease; Not observed at significant frequency in large population cohorts (gnomAD); Has not been previously published as pathogenic or benign to our knowledge

Leiden Open Variation Database
Classification: Pathogenic for Fanconi anemia complementation group E. Last evaluated: 2011-02-07. Review status: no assertion criteria provided. Collection method: curation. Allele origin: germline. Affected: yes. Not counted in ClinVar's aggregate classification.
Comment: Curator: Arleen D. Auerbach. Submitter to LOVD: Arleen D. Auerbach.

Literature cited by the submitters: PubMed 16199547 (cited by Labcorp Genetics (formerly Invitae), Labcorp); PubMed 11001585 (cited by Labcorp Genetics (formerly Invitae), Labcorp); PubMed 17924555 (cited by Labcorp Genetics (formerly Invitae), Labcorp).